The following is an entry in ClinVar:

ClinVar aggregate classification (germline): Benign/Likely benign. Review status: criteria provided, multiple submitters, no conflicts (2 of 4 stars). 5 submissions from 5 submitters: Benign (4); Likely benign (1). Last evaluated 2026-02-04.

Conditions:
Aicardi-Goutieres syndrome 7 (AGS7). Identifiers: Orphanet 51, MedGen C3888244, MONDO:0014367, OMIM 615846.
Singleton-Merten syndrome 1 (SGMRT1). Also called: Widened medullary cavities of bone, aortic calcification, abnormal dentition, and muscular weakness; Syndrome of widened medullary cavities of the metacarpals and phalanges, aortic calcification and abnormal dentition. Identifiers: Orphanet 85191, MedGen C4225427, MONDO:0024535, OMIM 182250.

Allele frequency attached by ClinVar (database versions not stated): gnomAD exomes 0.09543; ExAC 0.11797; ESP Exome Variant Server 0.14885; gnomAD 0.15370 and 0.16097; TOPMed 0.18828; 1000 Genomes Project 0.19429; 1000 Genomes Project 30x 0.20300.
gnomAD v4.1: 75,854 of 1,605,026 alleles (4.7%); highest among the groups gnomAD compares: African/African-American, 42%; 10,595 homozygotes.

Submissions (5):

Labcorp Genetics (formerly Invitae), Labcorp
Classification: Benign for Aicardi-Goutieres syndrome 7; Singleton-Merten syndrome 1. Last evaluated: 2026-02-04. Review status: criteria provided, single submitter. Criteria: Invitae Variant Classification Sherloc (09022015). Collection method: clinical testing. Allele origin: germline.

Women's Health and Genetics/Laboratory Corporation of America, LabCorp
Classification: Benign. Last evaluated: 2026-01-21. Review status: criteria provided, single submitter. Criteria: LabCorp Variant Classification Summary - May 2015. Collection method: clinical testing. Allele origin: germline.

Blueprint Genetics
Classification: Likely benign. Last evaluated: 2024-11-26. Review status: criteria provided, single submitter. Criteria: ACMG Guidelines, 2015. Collection method: clinical testing. Allele origin: germline.

Unidad de Genómica Garrahan, Hospital de Pediatría Garrahan
Classification: Benign. Last evaluated: 2023-11-12. Review status: criteria provided, single submitter. Criteria: ACMG Guidelines, 2015. Collection method: clinical testing. Allele origin: germline. Affected: no. Observed: 48 variant alleles.
Comment: This variant is classified as Benign based on local population frequency. This variant was detected in 50% of patients studied by a panel of primary immunodeficiencies. Number of patients: 48. Only high quality variants are reported.

Breakthrough Genomics
Classification: Benign. Review status: criteria provided, single submitter. Criteria: ACMG Guidelines, 2015. Collection method: not provided. Allele origin: germline. Inheritance: Autosomal recessive inheritance. Affected: yes.

NM_022168.4(IFIH1):c.2616+11T>C

Gene: IFIH1 (interferon induced with helicase C domain 1; minus strand). Cytogenetic location: 2q24.2.
Variant type: single nucleotide variant.
Coding change: c.2616+11T>C on transcript NM_022168.4 (MANE Select); 11 bases into the intron after coding-DNA position 2616, T replaced by C.
Molecular consequence: intron variant.
Genome position (GRCh38, 1-based): chr2:162,272,215, A>G on the plus strand (T>C on the coding strand, the complement: IFIH1 is on the minus strand). VCF-style: chr2-162272215-A-G. GRCh37 (hg19) VCF-style: chr2-163128725-A-G.
Identifiers: ClinVar variation 1168366 (VCV001168366.15), dbSNP rs3747518, ClinGen allele CA1934128.